The following is an entry in ClinVar:

NM_001370466.1(NOD2):c.2528G>A (p.Arg843Lys)

Gene: NOD2 (nucleotide binding oligomerization domain containing 2; plus strand). Cytogenetic location: 16q12.1.
Variant type: single nucleotide variant.
Coding change: c.2528G>A on transcript NM_001370466.1 (MANE Select); coding-DNA position 2528, G replaced by A.
Protein change: p.Arg843Lys; replaces arginine 843 with lysine.
Molecular consequence: missense variant. On other transcripts: non-coding transcript variant (1).
Genome position (GRCh38, 1-based): chr16:50,716,953, G>A. VCF-style: chr16-50716953-G-A. GRCh37 (hg19) VCF-style: chr16-50750864-G-A.
Other names: c.2528G>A, p.Arg843Lys (NM_001293557.2); c.2609G>A, p.Arg870Lys (NM_022162.3); short protein forms R843K, R870K.
Identifiers: ClinVar variation 856618 (VCV000856618.1), dbSNP rs768889214, ClinGen allele CA8051857.
Genomic context (GRCh38, chr16:50,716,953, plus strand): 5'-TATTCAACAACAAATTGACTGACGGCTGTGCACACTCCATGGCTAAGCTCCTTGCATGCA[G>A]GCAGAACTTCTTGGCATTGAGGTGAGCCCAGGTTTTCCTTATTCCCTGGAAACTATTTTT-3'
Protein context (NP_001357395.1, residues 833-853): AHSMAKLLAC[Arg843Lys]QNFLALRLGN

ClinVar aggregate classification (germline): Uncertain significance (1 of 4 stars; one submission).

Conditions:
Blau syndrome (BLAUS). Also called: GRANULOMATOSIS, FAMILIAL JUVENILE SYSTEMIC; GRANULOMATOSIS, FAMILIAL, BLAU TYPE; GRANULOMATOUS INFLAMMATORY ARTHRITIS, DERMATITIS, AND UVEITIS, FAMILIAL; JABS SYNDROME; ARTHROCUTANEOUVEAL GRANULOMATOSIS. Identifiers: Orphanet 90340, MedGen C5201146, MONDO:0008523, OMIM 186580.
Inflammatory bowel disease 1 (IBD1). Also called: INFLAMMATORY BOWEL DISEASE (CROHN DISEASE) 1; Inflammatory bowel disease 1, Crohn disease. Identifiers: MedGen CN260071, MONDO:0009960, OMIM 266600.

Allele frequency attached by ClinVar (database versions not stated): gnomAD exomes 0.00002; ExAC 0.00004.
gnomAD v4.1: 10 of 1,614,246 alleles (0.00062%); highest among the groups gnomAD compares: Non-Finnish European, 0.00085%; no homozygotes.

Submission:

Labcorp Genetics (formerly Invitae), Labcorp
Classification: Uncertain significance for Inflammatory bowel disease 1; Blau syndrome. Last evaluated: 2019-11-26. Review status: criteria provided, single submitter. Criteria: Invitae Variant Classification Sherloc (09022015). Collection method: clinical testing. Allele origin: germline.
Comment: This sequence change replaces arginine with lysine at codon 870 of the NOD2 protein (p.Arg870Lys). The arginine residue is weakly conserved and there is a small physicochemical difference between arginine and lysine. This variant is present in population databases (rs768889214, ExAC 0.007%). This variant has not been reported in the literature in individuals with NOD2-related conditions. Algorithms developed to predict the effect of missense changes on protein structure and function output the following: SIFT: "Tolerated"; PolyPhen-2: "Benign"; Align-GVGD: "Class C0". The lysine amino acid residue is found in multiple mammalian species, suggesting that this missense change does not adversely affect protein function. These predictions have not been confirmed by published functional studies and their clinical significance is uncertain. In summary, the available evidence is currently insufficient to determine the role of this variant in disease. Therefore, it has been classified as a Variant of Uncertain Significance.